The following is an entry in ClinVar:

ClinVar aggregate classification (germline): Likely benign. Review status: criteria provided, multiple submitters, no conflicts (2 of 4 stars). 2 submissions from 2 submitters: Likely benign (2). Last evaluated 2025-05-09.

Conditions:
Tuberous sclerosis 2 (TSC2). Identifiers: Orphanet 805, MedGen C1860707, MONDO:0013199, OMIM 613254.

Submissions (2):

Myriad Genetics, Inc.
Classification: Likely benign for Tuberous sclerosis 2. Last evaluated: 2025-05-09. Review status: criteria provided, single submitter. Criteria: Myriad Autosomal Dominant, Autosomal Recessive and X-Linked Classification Criteria (2023). Collection method: clinical testing. Allele origin: unknown.
Comment: This variant is considered likely benign. This variant is intronic and is not expected to impact mRNA splicing.

Labcorp Genetics (formerly Invitae), Labcorp
Classification: Likely benign for Tuberous sclerosis 2. Last evaluated: 2023-08-24. Review status: criteria provided, single submitter. Criteria: Invitae Variant Classification Sherloc (09022015). Collection method: clinical testing. Allele origin: germline.

NM_000548.5(TSC2):c.774+6G>T

Gene: TSC2 (TSC complex subunit 2; plus strand). Cytogenetic location: 16p13.3.
Variant type: single nucleotide variant.
Coding change: c.774+6G>T on transcript NM_000548.5 (MANE Select); 6 bases into the intron after coding-DNA position 774, G replaced by T.
Molecular consequence: intron variant.
Genome position (GRCh38, 1-based): chr16:2,056,775, G>T. VCF-style: chr16-2056775-G-T. GRCh37 (hg19) VCF-style: chr16-2106776-G-T.
Other names: c.774+6G>T (NM_001114382.3, NM_021055.3, NM_001370405.1 and 3 more transcripts); c.663+6G>T (NM_001318827.2); c.174+6G>T (NM_001318831.2); c.627+6G>T (NM_001318829.2); c.807+6G>T (NM_001318832.2).
Identifiers: ClinVar variation 2127885 (VCV002127885.5), dbSNP rs2151082068, ClinGen allele CA2580090573.